The following is an entry in ClinVar:

NM_001130009.3(GEN1):c.2515A>T (p.Lys839Ter)

Gene: GEN1 (GEN1 structure-specific endonuclease; plus strand). Cytogenetic location: 2p24.2.
Variant type: single nucleotide variant.
Coding change: c.2515A>T on transcript NM_001130009.3 (MANE Select); coding-DNA position 2515, A replaced by T.
Protein change: p.Lys839Ter; replaces lysine 839 with a stop codon.
Molecular consequence: nonsense.
Genome position (GRCh38, 1-based): chr2:17,781,727, A>T. VCF-style: chr2-17781727-A-T. GRCh37 (hg19) VCF-style: chr2-17962994-A-T.
Other names: c.2515A>T, p.Lys839Ter (NM_182625.5); short protein forms K839*.
Identifiers: ClinVar variation 1481720 (VCV001481720.8), dbSNP rs113873109, ClinGen allele CA345928223.

ClinVar aggregate classification (germline): Uncertain significance (1 of 4 stars; one submission).

Allele frequency attached by ClinVar (database versions not stated): gnomAD 0.00001; TOPMed 0.00001.
gnomAD v4.1: 3 of 1,305,722 alleles (0.00023%); highest among the groups gnomAD compares: Non-Finnish European, 0.00032%; no homozygotes.

Submission:

Labcorp Genetics (formerly Invitae), Labcorp
Classification: Uncertain significance. Last evaluated: 2021-07-11. Review status: criteria provided, single submitter. Criteria: Invitae Variant Classification Sherloc (09022015). Collection method: clinical testing. Allele origin: germline.
Comment: In summary, the available evidence is currently insufficient to determine the role of this variant in disease. Therefore, it has been classified as a Variant of Uncertain Significance. Experimental studies and prediction algorithms are not available or were not evaluated, and the functional significance of this variant is currently unknown. This variant has not been reported in the literature in individuals with GEN1-related conditions. This variant is not present in population databases (ExAC no frequency). This sequence change creates a premature translational stop signal (p.Lys839*) in the GEN1 gene. While this is not anticipated to result in nonsense mediated decay, it is expected to disrupt the last 70 amino acid(s) of the GEN1 protein.